The following is an entry in ClinVar:

ClinVar aggregate classification (germline): Likely benign (1 of 4 stars; one submission).

Submission:

CeGaT Center for Human Genetics Tuebingen
Classification: Likely benign. Last evaluated: 2026-05-01. Review status: criteria provided, single submitter. Criteria: CeGaT Center For Human Genetics Tuebingen Variant Classification Criteria Version 2. Collection method: clinical testing. Allele origin: germline. Affected: yes. Observed: 1 variant allele.
Comment: ZNF75D: BP4, BP7

NM_007131.5(ZNF75D):c.282A>G (p.Leu94=)

Gene: ZNF75D (zinc finger protein 75D; minus strand). Cytogenetic location: Xq26.3.
Variant type: single nucleotide variant.
Coding change: c.282A>G on transcript NM_007131.5 (MANE Select); coding-DNA position 282, A replaced by G.
Protein change: p.Leu94=; no amino-acid change (leucine 94 retained).
Molecular consequence: synonymous variant.
Genome position (GRCh38, 1-based): chrX:135,293,859, T>C on the plus strand (A>G on the coding strand, the complement: ZNF75D is on the minus strand). VCF-style: chrX-135293859-T-C. GRCh37 (hg19) VCF-style: chrX-134427785-T-C.
Other names: c.282A>G, p.Leu94= (NM_001185063.2).
Identifiers: ClinVar variation 4872556 (VCV004872556.2).